The following is an entry in ClinVar:

ClinVar aggregate classification (germline): Pathogenic/Likely pathogenic. Review status: criteria provided, multiple submitters, no conflicts (2 of 4 stars). 2 submissions from 2 submitters: Pathogenic (1); Likely pathogenic (1). Last evaluated 2025-03-09.

Conditions:
Progressive myoclonic epilepsy. Also called: Myoclonic Epilepsies, Progressive; Familial progressive myoclonic epilepsy; Myoclonus epilepsy; Progressive myoclonus epilepsy. Identifiers: Orphanet 308, Orphanet 98261, MedGen C0751778, MONDO:0020074.

Allele frequency attached by ClinVar (database versions not stated): TOPMed 0.00001; gnomAD exomes below 0.00001 and 0.00001; gnomAD 0.00001.
gnomAD v4.1: 9 of 1,572,318 alleles (0.00057%); highest among the groups gnomAD compares: Non-Finnish European, 0.00079%; no homozygotes.

Submissions (2):

Labcorp Genetics (formerly Invitae), Labcorp
Classification: Pathogenic for Progressive myoclonic epilepsy. Last evaluated: 2025-03-09. Review status: criteria provided, single submitter. Criteria: Invitae Variant Classification Sherloc (09022015). Collection method: clinical testing. Allele origin: germline.
Comment: This sequence change creates a premature translational stop signal (p.Lys62*) in the GOSR2 gene. It is expected to result in an absent or disrupted protein product. Loss-of-function variants in GOSR2 are known to be pathogenic (PMID: 21549339). This variant is present in population databases (no rsID available, gnomAD 0.0009%). This variant has not been reported in the literature in individuals affected with GOSR2-related conditions. ClinVar contains an entry for this variant (Variation ID: 659698). For these reasons, this variant has been classified as Pathogenic.

GeneDx
Classification: Likely pathogenic. Last evaluated: 2024-09-01. Review status: criteria provided, single submitter. Criteria: GeneDx Variant Classification Process June 2021. Collection method: clinical testing. Allele origin: germline. Affected: yes.
Comment: Reported in a patient from a cohort of individuals with childhood epilepsy; however, no further specific clinical details were provided (PMID: 31440721); Nonsense variant predicted to result in protein truncation or nonsense mediated decay in a gene for which loss of function is a known mechanism of disease; Not observed at significant frequency in large population cohorts (gnomAD); This variant is associated with the following publications: (PMID: 21549339, 31440721)

Literature cited by the submitters: PubMed 21549339 (cited by Labcorp Genetics (formerly Invitae), Labcorp).

NM_004287.5(GOSR2):c.184A>T (p.Lys62Ter)

Genes: GOSR2 (golgi SNAP receptor complex member 2; plus strand), LRRC37A2 (leucine rich repeat containing 37 member A2), LOC126862578 (BRD4-independent group 4 enhancer GRCh37_chr17:45008344-45009543; plus strand). Cytogenetic location: 17q21.32.
Variant type: single nucleotide variant.
Coding change: c.184A>T on transcript NM_004287.5 (MANE Select); coding-DNA position 184, A replaced by T.
Protein change: p.Lys62Ter; replaces lysine 62 with a stop codon.
Molecular consequence: nonsense. On other transcripts: non-coding transcript variant (3).
Genome position (GRCh38, 1-based): chr17:46,931,188, A>T. VCF-style: chr17-46931188-A-T. GRCh37 (hg19) VCF-style: chr17-45008554-A-T.
Other names: c.184A>T, p.Lys62Ter (NM_001012511.3, NM_001321133.2, NM_001330252.2 and 1 more transcripts); c.130A>T, p.Lys44Ter (NM_001321134.2, NM_001363851.2); c.181A>T, p.Lys61Ter (NM_001353114.2, NM_001353115.2, NM_001353116.2); short protein forms K61*, K62*, K44*.
Identifiers: ClinVar variation 659698 (VCV000659698.8), dbSNP rs1380954046, ClinGen allele CA400016788.